The following is an entry in ClinVar:

NM_000153.4(GALC):c.1789_1800del (p.Phe597_Phe600del)

Gene: GALC (galactosylceramidase; minus strand). Cytogenetic location: 14q31.3.
Variant type: Deletion.
Coding change: c.1789_1800del on transcript NM_000153.4 (MANE Select); coding-DNA positions 1789 to 1800, 12 bases deleted (TTCTGGATTTTT).
Protein change: p.Phe597_Phe600del.
Molecular consequence: inframe deletion.
Genome position (GRCh38, 1-based): chr14:87,941,429-87,941,440, AAAAATCCAGAA deleted on the plus strand (TTCTGGATTTTT on the coding strand, the reverse complement: GALC is on the minus strand). VCF-style (leftmost placement, unchanged base first): chr14-87941428-CAAAAATCCAGAA-C. GRCh37 (hg19) VCF-style: chr14-88407772-CAAAAATCCAGAA-C.
Other names: c.1720_1731del, p.Phe574_Phe577del (NM_001201401.2); c.1711_1722del, p.Phe571_Phe574del (NM_001201402.2).
Identifiers: ClinVar variation 1469051 (VCV001469051.8), dbSNP rs2139941321, ClinGen allele CA2573150290.
Genomic context (GRCh38, chr14:87,941,428, plus strand): 5'-CTATTAAAAAAAAAAAAAGTCAGTTACCTAAATCACCTGTAACCCTGTAAGATCCATTTG[CAAAAATCCAGAA>C]GAAAATTCCTCTGGCACTTCTAATCAAAATACCACCTTTATTTACTCTTCCTGCAATGAA-3'

ClinVar aggregate classification (germline): Uncertain significance (1 of 4 stars; one submission).

Conditions:
Galactosylceramide beta-galactosidase deficiency. Also called: Krabbe Disease; Leukodystrophy, Globoid Cell; GALACTOCEREBROSIDASE DEFICIENCY; GALC DEFICIENCY; GLOBOID CELL LEUKOENCEPHALOPATHY. Identifiers: Orphanet 487, MedGen C0023521, MONDO:0009499, OMIM 245200.

Submission:

Labcorp Genetics (formerly Invitae), Labcorp
Classification: Uncertain significance for Galactosylceramide beta-galactosidase deficiency. Last evaluated: 2021-01-27. Review status: criteria provided, single submitter. Criteria: Invitae Variant Classification Sherloc (09022015). Collection method: clinical testing. Allele origin: germline.
Comment: In summary, the available evidence is currently insufficient to determine the role of this variant in disease. Therefore, it has been classified as a Variant of Uncertain Significance. This variant disrupts a region of the protein in which other variant(s) (p.Ile599Ser) have been observed in individuals with GALC-related conditions (PMID: 8786069). This suggests that this may be a clinically significant region of the GALC protein. This variant has not been reported in the literature in individuals with GALC-related conditions. This variant is not present in population databases (ExAC no frequency). This variant, c.1789_1800del, results in the deletion of 4 amino acid(s) of the GALC protein (p.Phe597_Phe600del), but otherwise preserves the integrity of the reading frame.

Literature cited by the submitters: PubMed 8786069.